The following is an entry in ClinVar:

NM_001754.5(RUNX1):c.433A>G (p.Arg145Gly)

Genes: RUNX1-AS1 (RUNX1 antisense RNA 1; plus strand), RUNX1 (RUNX family transcription factor 1; minus strand). Cytogenetic location: 21q22.12.
Variant type: single nucleotide variant.
Coding change: c.433A>G on transcript NM_001754.5 (MANE Select); coding-DNA position 433, A replaced by G.
Protein change: p.Arg145Gly; replaces arginine 145 with glycine.
Molecular consequence: missense variant.
Genome position (GRCh38, 1-based): chr21:34,880,632, T>C on the plus strand (A>G on the coding strand, the complement: RUNX1 is on the minus strand). VCF-style: chr21-34880632-T-C. GRCh37 (hg19) VCF-style: chr21-36252929-T-C.
Other names: NM_001754.5(RUNX1):c.433A>G; p.Arg145Gly; c.352A>G, p.Arg118Gly (NM_001001890.3, NM_001122607.2); short protein forms R145G, R118G.
Identifiers: ClinVar variation 409808 (VCV000409808.10), dbSNP rs757288001, ClinGen allele CA16616277.
Genomic context (GRCh38, chr21:34,880,632, plus strand): 5'-CGACAAACCTGAGGTCATTAAATCTTGCAACCTGGTTCTTCATGGCTGCGGTAGCATTTC[T>C]CAGCTCAGCCGAGTAGTTTTCATCATTGCCAGCCATCACAGTGACCAGAGTGCCATCTGG-3'
Protein context (NP_001745.2, residues 135-155): GNDENYSAEL[Arg145Gly]NATAAMKNQV

ClinVar aggregate classification (germline): Uncertain significance. Review status: reviewed by expert panel (3 of 4 stars). 2 submissions from 2 submitters: Uncertain significance (1). 1 of the submissions does not count toward it. Last evaluated 2025-01-15.

Conditions:
Hereditary thrombocytopenia and hematologic cancer predisposition syndrome. Identifiers: Orphanet 71290, MedGen CN281654, MONDO:0011071.
Hereditary thrombocytopenia and hematological cancer predisposition syndrome associated with RUNX1. Also called: Familial Platelet Disorder with Propensity to Acute Myelogenous Leukemia; Familial thrombocytopenia with propensity to acute myelogenous leukemia; PLATELET DISORDER, ASPIRIN-LIKE; RUNX1 Familial Platelet Disorder with Associated Myeloid Malignancies. Identifiers: Orphanet 71290, MedGen C1832388, MeSH C563324, MONDO:0100083, OMIM 601399.

Submissions (2):

ClinGen Myeloid Malignancy Variant Curation Expert Panel
Classification: Uncertain significance for Hereditary thrombocytopenia and hematologic cancer predisposition syndrome. Last evaluated: 2025-01-15. Review status: reviewed by expert panel. Criteria: ClinGen MyeloMalig ACMG Specifications v2. Collection method: curation. Allele origin: germline. Inheritance: Autosomal dominant inheritance.
Comment: NM_001754.5(RUNX1):c.433A>G (p.Arg145Gly) is a missense variant which has a REVEL score ≥ 0.88 (0.925) (PP3). Data from two or more secondary assays (FRET assay and SEUSS) demonstrate altered function, including decreased phosphorylation of RUNX1 and decreased gene expression (PS3_moderate; PMID: 33692461, 32943879). This variant is located within the Runt Homology Domain (RHD; AA 89-204) but does not occur in an established hotspot residue (PM1_supporting). It is completely absent from all population databases with at least 20x coverage for RUNX1 (PM2_supporting). In summary, the clinical significance of this variant is uncertain. ACMG/AMP criteria applied, as specified by the Myeloid Malignancy Variant Curation Expert Panel for RUNX1: PS3_moderate, PP3, PM1_supporting, and PM2_supporting.

Labcorp Genetics (formerly Invitae), Labcorp
Classification: Uncertain significance for Hereditary thrombocytopenia and hematological cancer predisposition syndrome associated with RUNX1. Last evaluated: 2021-06-30. Review status: criteria provided, single submitter. Criteria: Invitae Variant Classification Sherloc (09022015). Collection method: clinical testing. Allele origin: germline. Not counted in ClinVar's aggregate classification.
Comment: Algorithms developed to predict the effect of missense changes on protein structure and function do not agree on the potential impact of this missense change (SIFT: "Deleterious"; PolyPhen-2: "Probably Damaging"; Align-GVGD: "Class C0"). In summary, this variant is a novel missense change with uncertain impact on protein function. It has been classified as a Variant of Uncertain Significance. This variant is not present in population databases (ExAC no frequency) and has not been reported in the literature in individuals with a RUNX1-related disease. This sequence change replaces arginine with glycine at codon 145 of the RUNX1 protein (p.Arg145Gly). The arginine residue is moderately conserved and there is a moderate physicochemical difference between arginine and glycine.

Literature cited by the submitters: PubMed 32943879 (cited by ClinGen Myeloid Malignancy Variant Curation Expert Panel); PubMed 33692461 (cited by ClinGen Myeloid Malignancy Variant Curation Expert Panel).